The following is an entry in ClinVar:

ClinVar aggregate classification (germline): Pathogenic (1 of 4 stars; one submission).

Submission:

Labcorp Genetics (formerly Invitae), Labcorp
Classification: Pathogenic. Last evaluated: 2024-09-28. Review status: criteria provided, single submitter. Criteria: Invitae Variant Classification Sherloc (09022015). Collection method: clinical testing. Allele origin: germline.
Comment: This sequence change creates a premature translational stop signal (p.Glu237*) in the ERCC6 gene. It is expected to result in an absent or disrupted protein product. Loss-of-function variants in ERCC6 are known to be pathogenic (PMID: 18628313, 29572252). This variant is not present in population databases (gnomAD no frequency). This variant has not been reported in the literature in individuals affected with ERCC6-related conditions. For these reasons, this variant has been classified as Pathogenic.

Literature cited by the submitters: PubMed 18628313; PubMed 29572252.

NM_000124.4(ERCC6):c.709G>T (p.Glu237Ter)

Gene: ERCC6 (ERCC excision repair 6, chromatin remodeling factor; minus strand). Cytogenetic location: 10q11.23.
Variant type: single nucleotide variant.
Coding change: c.709G>T on transcript NM_000124.4 (MANE Select); coding-DNA position 709, G replaced by T.
Protein change: p.Glu237Ter; replaces glutamic acid 237 with a stop codon.
Molecular consequence: nonsense.
Genome position (GRCh38, 1-based): chr10:49,524,721, C>A on the plus strand (G>T on the coding strand, the complement: ERCC6 is on the minus strand). VCF-style: chr10-49524721-C-A. GRCh37 (hg19) VCF-style: chr10-50732767-C-A.
Other names: c.709G>T, p.Glu237Ter (NM_001277058.2, NM_001277059.2, NM_001346440.2); short protein forms E237*.
Identifiers: ClinVar variation 3660384 (VCV003660384.2).